The following is an entry in ClinVar:

ClinVar aggregate classification (germline): Pathogenic (1 of 4 stars; one submission).

Conditions:
Early-infantile DEE. Also called: Early infantile epileptic encephalopathy with suppression bursts; Early infantile epileptic encephalopathy; Ohtahara syndrome. Identifiers: Orphanet 1934, MedGen C0393706, MONDO:0800491.

Submission:

Labcorp Genetics (formerly Invitae), Labcorp
Classification: Pathogenic for Early-infantile DEE. Last evaluated: 2021-10-22. Review status: criteria provided, single submitter. Criteria: Invitae Variant Classification Sherloc (09022015). Collection method: clinical testing. Allele origin: germline.
Comment: This variant is not present in population databases (ExAC no frequency). This missense change has been observed in individual(s) with SCN1A-related conditions (Invitae). In at least one individual the variant was observed to be de novo. Advanced modeling of protein sequence and biophysical properties (such as structural, functional, and spatial information, amino acid conservation, physicochemical variation, residue mobility, and thermodynamic stability) performed at Invitae indicates that this missense variant is expected to disrupt SCN1A protein function. For these reasons, this variant has been classified as Pathogenic. This sequence change replaces valine with leucine at codon 866 of the SCN1A protein (p.Val866Leu). The valine residue is highly conserved and there is a small physicochemical difference between valine and leucine.

NM_001165963.4(SCN1A):c.2596G>C (p.Val866Leu)

Gene: SCN1A (sodium voltage-gated channel alpha subunit 1; minus strand). Cytogenetic location: 2q24.3.
Variant type: single nucleotide variant.
Coding change: c.2596G>C on transcript NM_001165963.4 (MANE Select); coding-DNA position 2596, G replaced by C.
Protein change: p.Val866Leu; replaces valine 866 with leucine.
Molecular consequence: missense variant. On other transcripts: non-coding transcript variant (1).
Genome position (GRCh38, 1-based): chr2:166,038,126, C>G on the plus strand (G>C on the coding strand, the complement: SCN1A is on the minus strand). VCF-style: chr2-166038126-C-G. GRCh37 (hg19) VCF-style: chr2-166894636-C-G.
Other names: c.2512G>C, p.Val838Leu (NM_001165964.3, NM_001353957.2, NM_001353958.2); c.2596G>C, p.Val866Leu (NM_001202435.3, NM_001353948.2); c.2563G>C, p.Val855Leu (NM_001353949.2, NM_001353950.2, NM_001353951.2 and 2 more transcripts); c.2560G>C, p.Val854Leu (NM_001353954.2, NM_001353955.2); c.2509G>C, p.Val837Leu (NM_001353960.2); c.154G>C, p.Val52Leu (NM_001353961.2); short protein forms V838L, V866L, V837L, V855L, V52L, V854L.
Identifiers: ClinVar variation 1456762 (VCV001456762.7), dbSNP rs2105808820, ClinGen allele CA349061806.
Genomic context (GRCh38, chr2:166,038,126, plus strand): 5'-AATTGCCGATGATCTTTATTAGCATATTTAACGTTGGCCAAGATTTTGCCAACTTGAAAA[C>G]TCGCAGCTGGAAAATGAAAGATTAATATATATTTGTATGATTCTTAAAAGCATTATATAT-3'
Protein context (NP_001159435.1, residues 856-876): SVLRSFRLLR[Val866Leu]FKLAKSWPTL